The following is an entry in ClinVar:

ClinVar aggregate classification (germline): Uncertain significance (1 of 4 stars; one submission).

Submission:

Labcorp Genetics (formerly Invitae), Labcorp
Classification: Uncertain significance. Last evaluated: 2023-10-03. Review status: criteria provided, single submitter. Criteria: Invitae Variant Classification Sherloc (09022015). Collection method: clinical testing. Allele origin: germline.
Comment: This sequence change falls in intron 33 of the COL4A6 gene. It does not directly change the encoded amino acid sequence of the COL4A6 protein. It affects a nucleotide within the consensus splice site. This variant is not present in population databases (gnomAD no frequency). This variant has not been reported in the literature in individuals affected with COL4A6-related conditions. Variants that disrupt the consensus splice site are a relatively common cause of aberrant splicing (PMID: 17576681, 9536098). Algorithms developed to predict the effect of sequence changes on RNA splicing suggest that this variant is not likely to affect RNA splicing. In summary, the available evidence is currently insufficient to determine the role of this variant in disease. Therefore, it has been classified as a Variant of Uncertain Significance.

Literature cited by the submitters: PubMed 17576681; PubMed 9536098.

NM_033641.4(COL4A6):c.3278-3T>A

Gene: COL4A6 (collagen type IV alpha 6 chain; minus strand). Cytogenetic location: Xq22.3.
Variant type: single nucleotide variant.
Coding change: c.3278-3T>A on transcript NM_033641.4 (MANE Select); 3 bases into the intron before coding-DNA position 3278, T replaced by A.
Molecular consequence: intron variant.
Genome position (GRCh38, 1-based): chrX:108,170,920, A>T on the plus strand (T>A on the coding strand, the complement: COL4A6 is on the minus strand). VCF-style: chrX-108170920-A-T. GRCh37 (hg19) VCF-style: chrX-107414150-A-T.
Other names: c.3281-3T>A (NM_001847.4); c.3278-3T>A (NM_001287760.2, NM_001287759.2); c.3329-3T>A (NM_001287758.2).
Identifiers: ClinVar variation 2861260 (VCV002861260.3), dbSNP rs2521800509, ClinGen allele CA2739273674.